The following is an entry in ClinVar:

NM_022047.4(DEF6):c.58G>A (p.Val20Met)

Gene: DEF6 (DEF6 guanine nucleotide exchange factor; plus strand). Cytogenetic location: 6p21.31.
Variant type: single nucleotide variant.
Coding change: c.58G>A on transcript NM_022047.4 (MANE Select); coding-DNA position 58, G replaced by A.
Protein change: p.Val20Met; replaces valine 20 with methionine.
Molecular consequence: missense variant.
Genome position (GRCh38, 1-based): chr6:35,297,914, G>A. VCF-style: chr6-35297914-G-A. GRCh37 (hg19) VCF-style: chr6-35265691-G-A.
Other names: short protein forms V20M.
Identifiers: ClinVar variation 3679502 (VCV003679502.2).

ClinVar aggregate classification (germline): Uncertain significance (1 of 4 stars; one submission).

gnomAD v4.1: 16 of 1,607,152 alleles (0.001%); highest among the groups gnomAD compares: Middle Eastern, 0.017%; no homozygotes.

Submission:

Labcorp Genetics (formerly Invitae), Labcorp
Classification: Uncertain significance. Last evaluated: 2024-09-30. Review status: criteria provided, single submitter. Criteria: Invitae Variant Classification Sherloc (09022015). Collection method: clinical testing. Allele origin: germline.
Comment: This sequence change replaces valine, which is neutral and non-polar, with methionine, which is neutral and non-polar, at codon 20 of the DEF6 protein (p.Val20Met). The frequency data for this variant in the population databases is considered unreliable, as metrics indicate poor data quality at this position in the gnomAD database. This variant has not been reported in the literature in individuals affected with DEF6-related conditions. An algorithm developed to predict the effect of missense changes on protein structure and function outputs the following: PolyPhen-2: "Benign". The methionine amino acid residue is found in multiple mammalian species, which suggests that this missense change does not adversely affect protein function. In summary, the available evidence is currently insufficient to determine the role of this variant in disease. Therefore, it has been classified as a Variant of Uncertain Significance.